The following is an entry in ClinVar:

NM_001142966.3(GREB1L):c.721C>T (p.Arg241Ter)

Genes: GREB1L (GREB1 like retinoic acid receptor coactivator; plus strand), GREB1L-AS1 (GREB1L antisense RNA 1; minus strand). Cytogenetic location: 18q11.1.
Variant type: single nucleotide variant.
Coding change: c.721C>T on transcript NM_001142966.3 (MANE Select); coding-DNA position 721, C replaced by T.
Protein change: p.Arg241Ter; replaces arginine 241 with a stop codon.
Molecular consequence: nonsense.
Genome position (GRCh38, 1-based): chr18:21,403,883, C>T. VCF-style: chr18-21403883-C-T. GRCh37 (hg19) VCF-style: chr18-18983844-C-T.
Other names: c.721C>T, p.Arg241Ter (NM_001410867.1, NM_001410868.1); short protein forms R241*.
Identifiers: ClinVar variation 4686791 (VCV004686791.3).

ClinVar aggregate classification (germline): Pathogenic. Review status: criteria provided, multiple submitters, no conflicts (2 of 4 stars). 2 submissions from 2 submitters: Pathogenic (2). Last evaluated 2026-06-05.

Conditions:
Renal hypodysplasia/aplasia 3 (RHDA3). Identifiers: MedGen C4540497, MONDO:0024520, OMIM 617805.

Submissions (2):

GeneDx
Classification: Pathogenic. Last evaluated: 2026-06-05. Review status: criteria provided, single submitter. Criteria: GeneDx Variant Classification Process June 2021. Collection method: clinical testing. Allele origin: germline.
Comment: Nonsense variant predicted to result in protein truncation or nonsense mediated decay in a gene for which loss of function is a known mechanism of disease; Not observed at significant frequency in large population cohorts (gnomAD); Has not been previously published as pathogenic or benign to our knowledge

Victorian Clinical Genetics Services, Murdoch Childrens Research Institute
Classification: Pathogenic for Renal hypodysplasia/aplasia 3. Last evaluated: 2025-11-24. Review status: criteria provided, single submitter. Criteria: ACMG Guidelines, 2015. Collection method: clinical testing. Allele origin: germline. Affected: yes.
Comment: This variant is classified as Pathogenic. Evidence in support of pathogenic classification: Variant is predicted to cause nonsense-mediated decay (NMD) and loss of protein (premature termination codon is located at least 54 nucleotides upstream of the final exon-exon junction); Variant is absent from gnomAD (v2, v3 and v4); Other NMD predicted variant(s) comparable to the one identified in this case have very strong previous evidence for pathogenicity (ClinVar). Additional information: This variant is heterozygous; This gene is associated with autosomal dominant disease; This variant has no previous evidence of pathogenicity; No published evidence of segregation with disease has been identified for this variant; No published functional evidence has been identified for this variant; Loss of function is a known mechanism of disease in this gene and is associated with autosomal dominant deafness 80 (MIM#619274) and renal hypodysplasia/aplasia 3 (MIM#617805); The condition associated with this gene has incomplete penetrance, where variants have been inherited from unaffected parents (PMIDs: 29100090, 32378186); Variants in this gene are known to have variable expressivity (OMIM); Inheritance information for this variant is not currently available in this individual.

Literature cited by the submitters: PubMed 32378186 (cited by Victorian Clinical Genetics Services, Murdoch Childrens Research Institute); PubMed 29100090 (cited by Victorian Clinical Genetics Services, Murdoch Childrens Research Institute).